The following is an entry in ClinVar:

ClinVar aggregate classification (germline): Uncertain significance (1 of 4 stars; one submission).

Submission:

Labcorp Genetics (formerly Invitae), Labcorp
Classification: Uncertain significance. Last evaluated: 2025-03-17. Review status: criteria provided, single submitter. Criteria: Invitae Variant Classification Sherloc (09022015). Collection method: clinical testing. Allele origin: germline.
Comment: This sequence change replaces aspartic acid, which is acidic and polar, with glycine, which is neutral and non-polar, at codon 399 of the CAPN5 protein (p.Asp399Gly). This variant is not present in population databases (gnomAD no frequency). This variant has not been reported in the literature in individuals affected with CAPN5-related conditions. ClinVar contains an entry for this variant (Variation ID: 1350334). Invitae Evidence Modeling of protein sequence and biophysical properties (such as structural, functional, and spatial information, amino acid conservation, physicochemical variation, residue mobility, and thermodynamic stability) indicates that this missense variant is not expected to disrupt CAPN5 protein function with a negative predictive value of 80%. In summary, the available evidence is currently insufficient to determine the role of this variant in disease. Therefore, it has been classified as a Variant of Uncertain Significance.

NM_004055.5(CAPN5):c.1196A>G (p.Asp399Gly)

Gene: CAPN5 (calpain 5; plus strand). Cytogenetic location: 11q13.5.
Variant type: single nucleotide variant.
Coding change: c.1196A>G on transcript NM_004055.5 (MANE Select); coding-DNA position 1196, A replaced by G.
Protein change: p.Asp399Gly; replaces aspartic acid 399 with glycine.
Molecular consequence: missense variant.
Genome position (GRCh38, 1-based): chr11:77,119,058, A>G. VCF-style: chr11-77119058-A-G. GRCh37 (hg19) VCF-style: chr11-76830104-A-G.
Other names: short protein forms D399G.
Identifiers: ClinVar variation 1350334 (VCV001350334.8), dbSNP rs2135485070, ClinGen allele CA381942184.